The following is an entry in ClinVar:

NM_182493.3(MYLK3):c.1489_1502del (p.Phe497fs)

Gene: MYLK3 (myosin light chain kinase 3; minus strand). Cytogenetic location: 16q11.2.
Variant type: Deletion.
Coding change: c.1489_1502del on transcript NM_182493.3 (MANE Select); coding-DNA positions 1489 to 1502, 14 bases deleted (TTTGAACACCGGGT).
Protein change: p.Phe497fs; shifts the reading frame from phenylalanine 497.
Molecular consequence: frameshift variant.
Genome position (GRCh38, 1-based): chr16:46,730,659-46,730,672, ACCCGGTGTTCAAA deleted on the plus strand (TTTGAACACCGGGT on the coding strand, the reverse complement: MYLK3 is on the minus strand); deleting any 14 consecutive bases within chr16:46,730,659-46,730,673 gives the same sequence; the c. name uses the placement nearest the transcript's 3' end. VCF-style (leftmost placement, unchanged base first): chr16-46730658-TACCCGGTGTTCAAA-T. GRCh37 (hg19) VCF-style: chr16-46764570-TACCCGGTGTTCAAA-T.
Other names: c.466_479del, p.Phe156fs (NM_001308301.1); short protein forms F156fs, F497fs.
Identifiers: ClinVar variation 1491640 (VCV001491640.6), dbSNP rs2143014862, ClinGen allele CA2573152410.

ClinVar aggregate classification (germline): Uncertain significance (1 of 4 stars; one submission).

Submission:

Labcorp Genetics (formerly Invitae), Labcorp
Classification: Uncertain significance. Last evaluated: 2021-09-19. Review status: criteria provided, single submitter. Criteria: Invitae Variant Classification Sherloc (09022015). Collection method: clinical testing. Allele origin: germline.
Comment: This sequence change creates a premature translational stop signal (p.Phe497Serfs*76) in the MYLK3 gene. It is expected to result in an absent or disrupted protein product. However, the current clinical and genetic evidence is not sufficient to establish whether loss-of-function variants in MYLK3 cause disease. This variant is not present in population databases (ExAC no frequency). This variant has not been reported in the literature in individuals affected with MYLK3-related conditions. In summary, the available evidence is currently insufficient to determine the role of this variant in disease. Therefore, it has been classified as a Variant of Uncertain Significance.